The following is an entry in ClinVar:

ClinVar aggregate classification (germline): Uncertain significance (1 of 4 stars; one submission).

gnomAD v4.1: 5 of 1,614,104 alleles (0.00031%); highest among the groups gnomAD compares: Non-Finnish European, 0.00042%; no homozygotes.

Submission:

Labcorp Genetics (formerly Invitae), Labcorp
Classification: Uncertain significance. Last evaluated: 2022-06-20. Review status: criteria provided, single submitter. Criteria: Invitae Variant Classification Sherloc (09022015). Collection method: clinical testing. Allele origin: germline.
Comment: This sequence change replaces serine, which is neutral and polar, with proline, which is neutral and non-polar, at codon 4952 of the FAT4 protein (p.Ser4952Pro). This variant is present in population databases (no rsID available, gnomAD 0.0009%). This variant has not been reported in the literature in individuals affected with FAT4-related conditions. Advanced modeling of protein sequence and biophysical properties (such as structural, functional, and spatial information, amino acid conservation, physicochemical variation, residue mobility, and thermodynamic stability) performed at Invitae indicates that this missense variant is not expected to disrupt FAT4 protein function. In summary, the available evidence is currently insufficient to determine the role of this variant in disease. Therefore, it has been classified as a Variant of Uncertain Significance.

NM_001291303.3(FAT4):c.14860T>C (p.Ser4954Pro)

Gene: FAT4 (FAT atypical cadherin 4; plus strand). Cytogenetic location: 4q28.1.
Variant type: single nucleotide variant.
Coding change: c.14860T>C on transcript NM_001291303.3 (MANE Select); coding-DNA position 14860, T replaced by C.
Protein change: p.Ser4954Pro; replaces serine 4954 with proline.
Molecular consequence: missense variant.
Genome position (GRCh38, 1-based): chr4:125,491,676, T>C. VCF-style: chr4-125491676-T-C. GRCh37 (hg19) VCF-style: chr4-126412831-T-C.
Other names: c.14857T>C, p.Ser4953Pro (NM_001291285.3); c.14854T>C, p.Ser4952Pro (NM_024582.6); short protein forms S4953P, S4954P, S4952P.
Identifiers: ClinVar variation 1957991 (VCV001957991.2), dbSNP rs979417135, ClinGen allele CA358143898.